The following is an entry in ClinVar:

ClinVar aggregate classification (germline): Uncertain significance (1 of 4 stars; one submission).

Conditions:
Neuroblastoma, susceptibility to, 3. Also called: ALK-Related Neuroblastic Tumor Susceptibility. Identifiers: Orphanet 635, MedGen C2751681, MONDO:0013083, OMIM 613014.

Submission:

Labcorp Genetics (formerly Invitae), Labcorp
Classification: Uncertain significance for Neuroblastoma, susceptibility to, 3. Last evaluated: 2024-12-05. Review status: criteria provided, single submitter. Criteria: Invitae Variant Classification Sherloc (09022015). Collection method: clinical testing. Allele origin: germline.
Comment: This sequence change replaces asparagine, which is neutral and polar, with tyrosine, which is neutral and polar, at codon 669 of the ALK protein (p.Asn669Tyr). This variant is not present in population databases (gnomAD no frequency). This variant has not been reported in the literature in individuals affected with ALK-related conditions. An algorithm developed to predict the effect of missense changes on protein structure and function (PolyPhen-2) suggests that this variant is likely to be tolerated. In summary, the available evidence is currently insufficient to determine the role of this variant in disease. Therefore, it has been classified as a Variant of Uncertain Significance.

NM_004304.5(ALK):c.2005A>T (p.Asn669Tyr)

Gene: ALK (ALK receptor tyrosine kinase; minus strand). Cytogenetic location: 2p23.2.
Variant type: single nucleotide variant.
Coding change: c.2005A>T on transcript NM_004304.5 (MANE Select); coding-DNA position 2005, A replaced by T.
Protein change: p.Asn669Tyr; replaces asparagine 669 with tyrosine.
Molecular consequence: missense variant.
Genome position (GRCh38, 1-based): chr2:29,275,135, T>A on the plus strand (A>T on the coding strand, the complement: ALK is on the minus strand). VCF-style: chr2-29275135-T-A. GRCh37 (hg19) VCF-style: chr2-29498001-T-A.
Other names: short protein forms N669Y.
Identifiers: ClinVar variation 3714133 (VCV003714133.2).